The following is an entry in ClinVar:

ClinVar aggregate classification (germline): Uncertain significance (1 of 4 stars; one submission).

Submission:

Labcorp Genetics (formerly Invitae), Labcorp
Classification: Uncertain significance. Last evaluated: 2023-02-08. Review status: criteria provided, single submitter. Criteria: Invitae Variant Classification Sherloc (09022015). Collection method: clinical testing. Allele origin: germline.
Comment: In summary, the available evidence is currently insufficient to determine the role of this variant in disease. Therefore, it has been classified as a Variant of Uncertain Significance. Advanced modeling of protein sequence and biophysical properties (such as structural, functional, and spatial information, amino acid conservation, physicochemical variation, residue mobility, and thermodynamic stability) performed at Invitae indicates that this missense variant is not expected to disrupt SCN3A protein function. ClinVar contains an entry for this variant (Variation ID: 1040085). This variant has not been reported in the literature in individuals affected with SCN3A-related conditions. This variant is not present in population databases (gnomAD no frequency). This sequence change replaces serine, which is neutral and polar, with proline, which is neutral and non-polar, at codon 610 of the SCN3A protein (p.Ser610Pro).

NM_006922.4(SCN3A):c.1828T>C (p.Ser610Pro)

Gene: SCN3A (sodium voltage-gated channel alpha subunit 3; minus strand). Cytogenetic location: 2q24.3.
Variant type: single nucleotide variant.
Coding change: c.1828T>C on transcript NM_006922.4 (MANE Select); coding-DNA position 1828, T replaced by C.
Protein change: p.Ser610Pro; replaces serine 610 with proline.
Molecular consequence: missense variant.
Genome position (GRCh38, 1-based): chr2:165,140,842, A>G on the plus strand (T>C on the coding strand, the complement: SCN3A is on the minus strand). VCF-style: chr2-165140842-A-G. GRCh37 (hg19) VCF-style: chr2-165997352-A-G.
Other names: c.1828T>C, p.Ser610Pro (NM_001081676.2, NM_001081677.2); short protein forms S610P.
Identifiers: ClinVar variation 1040085 (VCV001040085.8), dbSNP rs1687969645, ClinGen allele CA349046623.
Genomic context (GRCh38, chr2:165,140,842, plus strand): 5'-TACTGGCCTGACTAACGTTACTGTTGCGTCGCTCTCCATGTCTGTGCGGCACAAACAGTG[A>G]GTCTCTCCTGCTTTCGCTGTCTTCAAATGTGCTGTGTTCATCATCAGCAAAGTCATTTTC-3'
Protein context (NP_008853.3, residues 600-620): TFEDSESRRD[Ser610Pro]LFVPHRHGER